The following is an entry in ClinVar:

ClinVar aggregate classification (germline): Pathogenic (1 of 4 stars; one submission).

Conditions:
Hereditary cancer-predisposing syndrome. Also called: Hereditary neoplastic syndrome; Hereditary Cancer Syndrome; Neoplastic Syndromes, Hereditary; Tumor predisposition. Identifiers: Orphanet 140162, MedGen C0027672, MeSH D009386, MONDO:0015356.

Submission:

Color Diagnostics, LLC DBA Color Health
Classification: Pathogenic for Hereditary cancer-predisposing syndrome. Last evaluated: 2022-08-29. Review status: criteria provided, single submitter. Criteria: ACMG Guidelines, 2015. Collection method: clinical testing. Allele origin: germline.
Comment: This variant deletes 1 nucleotide in exon 3 of the MUTYH gene, creating a frameshift and premature translation stop signal. This variant is expected to result in an absent or non-functional protein product. To our knowledge, this variant has not been reported in individuals affected with hereditary cancer in the literature. This variant has not been identified in the general population by the Genome Aggregation Database (gnomAD). Loss of MUTYH function is a known mechanism of disease. Based on the available evidence, this variant is classified as Pathogenic.

NM_001048174.2(MUTYH):c.197del (p.Thr66fs)

Gene: MUTYH (mutY DNA glycosylase; minus strand). Cytogenetic location: 1p34.1.
Variant type: Deletion.
Coding change: c.197del on transcript NM_001048174.2 (MANE Select); coding-DNA position 197, one base deleted (C; older notation c.197delC).
Protein change: p.Thr66fs; shifts the reading frame from threonine 66.
Molecular consequence: frameshift variant. On other transcripts: 5 prime UTR variant (6), non-coding transcript variant (7).
Genome position (GRCh38, 1-based): chr1:45,333,480, G deleted on the plus strand (C on the coding strand, the reverse complement: MUTYH is on the minus strand). VCF-style (leftmost placement, unchanged base first): chr1-45333479-TG-T. GRCh37 (hg19) VCF-style: chr1-45799151-TG-T.
Other names: c.197del, p.Thr66fs (NM_001048171.2, NM_001048173.2, NM_001293195.2 and 6 more transcripts); c.200del, p.Thr67fs (NM_001048172.2, NM_001407071.1, NM_001407078.1 and 2 more transcripts); c.281del, p.Thr94fs (NM_001128425.2); c.242del, p.Thr81fs (NM_001293190.2); c.230del, p.Thr77fs (NM_001293191.2, NM_001407077.1); c.-80del (NM_001293192.2, NM_001293196.2, NM_001407091.1); c.-75del (NM_001350650.2, NM_001350651.2, NM_001407082.1); c.272del, p.Thr91fs (NM_001407069.1, NM_012222.3); and 3 more; short protein forms T94fs, T66fs, T77fs, T91fs, T38fs, T73fs, T80fs, T67fs.
Identifiers: ClinVar variation 2773692 (VCV002773692.2), dbSNP rs2524271761, ClinGen allele CA2697552397.
Genomic context (GRCh38, chr1:45,333,479, plus strand): 5'-TCTCCATGGTAGGTCCCGTTTCTCTTGGTCGTACCAGCTTAGCAGGCTCCCTCGGAAGGC[TG>T]TGACTTCAGCTACGTCTCTGAATAGATGGTATGAGGAGACAGAGGCCTGCAATACCACCT-3'